The following is an entry in ClinVar:

ClinVar aggregate classification (germline): Likely pathogenic (1 of 4 stars; one submission).

Conditions:
Duchenne muscular dystrophy (DMD). Also called: Duchenne Muscular Dystrophy (DMD); MUSCULAR DYSTROPHY, PSEUDOHYPERTROPHIC PROGRESSIVE, DUCHENNE TYPE. Identifiers: Orphanet 98896, MedGen C0013264, MONDO:0010679, OMIM 310200.

Submission:

3billion
Classification: Likely pathogenic for Duchenne muscular dystrophy. Last evaluated: 2025-11-10. Review status: criteria provided, single submitter. Criteria: ACMG Guidelines, 2015. Collection method: clinical testing. Allele origin: germline. Affected: yes.
Comment: The variant is not observed in the gnomAD v4.1.0 dataset. Predicted Consequence/Location: Frameshift: predicted to result in a loss or disruption of normal protein function through nonsense-mediated decay (NMD) or protein truncation. Multiple pathogenic variants are reported downstream of the variant. Therefore, this variant is classified as Likely pathogenic according to the recommendation of ACMG/AMP guideline.

NM_004006.3(DMD):c.9529_9530del (p.Met3177fs)

Gene: DMD (dystrophin; minus strand). Cytogenetic location: Xp21.2.
Variant type: Microsatellite.
Coding change: c.9529_9530del on transcript NM_004006.3 (MANE Select); coding-DNA positions 9529 to 9530, 2 bases deleted (AT; older notation c.9529_9530delAT).
Protein change: p.Met3177fs; shifts the reading frame from methionine 3177.
Molecular consequence: frameshift variant.
Genome position (GRCh38, 1-based): chrX:31,209,531-31,209,532, AT deleted on the plus strand (AT on the coding strand, the reverse complement: DMD is on the minus strand); deleting any 2 consecutive bases within chrX:31,209,531-31,209,534 gives the same sequence; the c. name uses the placement nearest the transcript's 3' end. VCF-style (leftmost placement, unchanged base first): chrX-31209530-CAT-C. GRCh37 (hg19) VCF-style: chrX-31227647-CAT-C.
Other names: c.9505_9506del, p.Met3169fs (NM_000109.4); c.9517_9518del, p.Met3173fs (NM_004009.3); c.9160_9161del, p.Met3054fs (NM_004010.3); c.5506_5507del, p.Met1836fs (NM_004011.4); c.5497_5498del, p.Met1833fs (NM_004012.4); c.2149_2150del, p.Met717fs (NM_004013.3, NM_004020.4, NM_004021.3 and 2 more transcripts); c.1342_1343del, p.Met448fs (NM_004014.3); c.325_326del, p.Met109fs (NM_004015.3, NM_004016.3, NM_004017.3 and 2 more transcripts); short protein forms M109fs, M1833fs, M1836fs, M3054fs, M3169fs, M3173fs, M3177fs, M448fs.
Identifiers: ClinVar variation 4854908 (VCV004854908.1).
Genomic context (GRCh38, chrX:31,209,530, plus strand): 5'-CCGGGAAATAAAAACATGCCATACGTACGTATCATAAACATTCAGCAGCCAGTTCAGACA[CAT>C]ATCCACGCAGAGAGGGACGTTGACCAAATTGTTGTGCTCTTGCTCCAGGCGGTCATAAAT-3'